The following is an entry in ClinVar:

ClinVar aggregate classification (germline): Benign. Review status: criteria provided, multiple submitters, no conflicts (2 of 4 stars). 2 submissions from 2 submitters: Benign (2). Last evaluated 2018-01-13.

Conditions:
Hereditary spastic paraplegia 4. Also called: Spastic paraplegia 4, autosomal dominant; Spastic Paraplegia 4; Familial spastic paraplegia autosomal dominant 2. Identifiers: Orphanet 100985, MedGen C1866855, MONDO:0008438, OMIM 182601.

Allele frequency attached by ClinVar (database versions not stated): 1000 Genomes Project 0.34185; TOPMed 0.35686; gnomAD 0.39025.

Submissions (2):

Illumina Laboratory Services, Illumina
Classification: Benign for Hereditary spastic paraplegia 4. Last evaluated: 2018-01-13. Review status: criteria provided, single submitter. Criteria: ICSL Variant Classification Criteria 13 December 2019. Collection method: clinical testing. Allele origin: germline.
Comment: This variant was observed in the ICSL laboratory as part of a predisposition screen in an ostensibly healthy population. It had not been previously curated by ICSL or reported in the Human Gene Mutation Database (HGMD: prior to June 1st, 2018), and was therefore a candidate for classification through an automated scoring system. Utilizing variant allele frequency, disease prevalence and penetrance estimates, and inheritance mode, an automated score was calculated to assess if this variant is too frequent to cause the disease. Based on the score and internal cut-off values, a variant classified as benign is not then subjected to further curation. The score for this variant resulted in a classification of benign for this disease.

Breakthrough Genomics
Classification: Benign. Review status: criteria provided, single submitter. Criteria: ACMG Guidelines, 2015. Collection method: not provided. Allele origin: germline. Inheritance: Autosomal dominant inheritance. Affected: yes.

NM_014946.4(SPAST):c.*1544G>T

Gene: SPAST (spastin; plus strand). Cytogenetic location: 2p22.3.
Variant type: single nucleotide variant.
Coding change: c.*1544G>T on transcript NM_014946.4 (MANE Select); 1544 bases downstream of the stop codon, G replaced by T.
Molecular consequence: 3 prime UTR variant.
Genome position (GRCh38, 1-based): chr2:32,156,040, G>T. VCF-style: chr2-32156040-G-T. GRCh37 (hg19) VCF-style: chr2-32381109-G-T.
Other names: c.*1544G>T (NM_001363823.2, NM_001363875.2, NM_199436.2); c.*1668G>T (NM_001377959.1).
Identifiers: ClinVar variation 335864 (VCV000335864.6), dbSNP rs6709048, ClinGen allele CA10615124.